The following is an entry in ClinVar:

NM_004082.5(DCTN1):c.1747C>G (p.Arg583Gly)

Gene: DCTN1 (dynactin subunit 1; minus strand). Cytogenetic location: 2p13.1.
Variant type: single nucleotide variant.
Coding change: c.1747C>G on transcript NM_004082.5 (MANE Select); coding-DNA position 1747, C replaced by G.
Protein change: p.Arg583Gly; replaces arginine 583 with glycine.
Molecular consequence: missense variant. On other transcripts: non-coding transcript variant (1).
Genome position (GRCh38, 1-based): chr2:74,368,835, G>C on the plus strand (C>G on the coding strand, the complement: DCTN1 is on the minus strand). VCF-style: chr2-74368835-G-C. GRCh37 (hg19) VCF-style: chr2-74595962-G-C.
Other names: c.1687C>G, p.Arg563Gly (NM_001135040.3); c.1345C>G, p.Arg449Gly (NM_001135041.3, NM_023019.4); c.1636C>G, p.Arg546Gly (NM_001190836.2); c.1726C>G, p.Arg576Gly (NM_001190837.2); c.1696C>G, p.Arg566Gly (NM_001378991.1); c.1678C>G, p.Arg560Gly (NM_001378992.1); short protein forms R449G, R546G, R583G, R563G, R576G, R560G, R566G.
Identifiers: ClinVar variation 858167 (VCV000858167.10), dbSNP rs1288295388, ClinGen allele CA347355831.
Genomic context (GRCh38, chr2:74,368,835, plus strand): 5'-GGTCCCCACCTGGCCGAAGGAAGCTGTCAGGCATGAAGGCTGTCAGCAGGGACATGTGTC[G>C]ATTGGCCTGGGCCACCTCCATCTGCCTCAATTCCATCTCAATTGCCTGTGAGGTGAACAG-3'
Protein context (NP_004073.2, residues 573-593): LRQMEVAQAN[Arg583Gly]HMSLLTAFMP

ClinVar aggregate classification (germline): Uncertain significance (1 of 4 stars; one submission).

Conditions:
Perry syndrome. Also called: PARKINSONISM WITH ALVEOLAR HYPOVENTILATION AND MENTAL DEPRESSION. Identifiers: Orphanet 178509, MedGen C1868594, MONDO:0008201, OMIM 168605.
Neuronopathy, distal hereditary motor, type 7B. Also called: Distal Hereditary Motor Neuronopathy Type 7B (dHMN7B); NEURONOPATHY, DISTAL HEREDITARY MOTOR, AUTOSOMAL DOMINANT 14; NEURONOPATHY, DISTAL HEREDITARY MOTOR, HARDING TYPE VIIB; NEUROPATHY, DISTAL HEREDITARY MOTOR, HARDING TYPE VIIB; NEUROPATHY, DISTAL HEREDITARY MOTOR, WITH VOCAL CORD PARALYSIS, HARDING TYPE VIIB; HMN VIIB. Identifiers: Orphanet 139589, MedGen C1843315, MONDO:0011879, OMIM 607641.
Amyotrophic lateral sclerosis type 1 (ALS1). Also called: AMYOTROPHIC LATERAL SCLEROSIS 1, FAMILIAL. Identifiers: Orphanet 803, MedGen C1862939, MONDO:0007103, OMIM 105400.

Allele frequency attached by ClinVar (database versions not stated): TOPMed 0.00001.

Submission:

Labcorp Genetics (formerly Invitae), Labcorp
Classification: Uncertain significance for Amyotrophic lateral sclerosis type 1; Neuronopathy, distal hereditary motor, type 7B; Perry syndrome. Last evaluated: 2023-06-05. Review status: criteria provided, single submitter. Criteria: Invitae Variant Classification Sherloc (09022015). Collection method: clinical testing. Allele origin: germline.
Comment: ClinVar contains an entry for this variant (Variation ID: 858167). This variant has not been reported in the literature in individuals affected with DCTN1-related conditions. This variant is not present in population databases (gnomAD no frequency). This sequence change replaces arginine, which is basic and polar, with glycine, which is neutral and non-polar, at codon 583 of the DCTN1 protein (p.Arg583Gly). Advanced modeling of protein sequence and biophysical properties (such as structural, functional, and spatial information, amino acid conservation, physicochemical variation, residue mobility, and thermodynamic stability) performed at Invitae indicates that this missense variant is expected to disrupt DCTN1 protein function. In summary, the available evidence is currently insufficient to determine the role of this variant in disease. Therefore, it has been classified as a Variant of Uncertain Significance.